The following is an entry in ClinVar:

NM_007294.4(BRCA1):c.953delinsTGT (p.His318fs)

Gene: BRCA1 (BRCA1 DNA repair associated; minus strand). Cytogenetic location: 17q21.31.
Variant type: Indel.
Coding change: c.953delinsTGT on transcript NM_007294.4 (MANE Select); coding-DNA position 953, A replaced by TGT.
Protein change: p.His318fs; shifts the reading frame from histidine 318.
Molecular consequence: frameshift variant. On other transcripts: intron variant (137).
Genome position (GRCh38, 1-based): chr17:43,094,578, T replaced by ACA on the plus strand (A replaced by TGT on the coding strand, the reverse complement: BRCA1 is on the minus strand). VCF-style: chr17-43094578-T-ACA. GRCh37 (hg19) VCF-style: chr17-41246595-T-ACA.
Other names: c.572delinsTGT, p.His191fs (NM_001407963.1, NM_001407959.1, NM_001407960.1); c.809delinsTGT, p.His270fs (NM_001407964.1, NM_001407740.1, NM_001407741.1 and 20 more transcripts); c.449delinsTGT, p.His150fs (NM_001407965.1); c.65delinsTGT, p.His22fs (NM_001407966.1, NM_001407967.1); c.953delAinsTGT, p.His318Leufs (NM_007294.3); c.812delinsTGT, p.His271fs (NM_007297.4, NM_001407692.1, NM_001407694.1 and 29 more transcripts); c.953delinsTGT, p.His318fs (NM_007300.4, NM_001407581.1, NM_001407582.1 and 30 more transcripts); c.646+166delinsTGT (NM_001408459.1, NM_001408469.1, NM_001408453.1 and 11 more transcripts); and 41 more; short protein forms H318fs, H271fs, H190fs, H191fs, H206fs, H229fs, H292fs, H150fs.
Identifiers: ClinVar variation 970429 (VCV000970429.8), dbSNP rs2054018121, ClinGen allele CA1139664802.
Genomic context (GRCh38, chr17:43,094,578, plus strand): 5'-TTTTCTGTGCTGGGAGTCCGCCTATCATTACATGTTTCCTTACTTCCAGCCCATCTGTTA[T>ACA]GTTGGCTCCTTGCTAAGCCAGGCTGTTTGCTTTTATTACAGAATTCAGCCTTTTCTACAT-3'

ClinVar aggregate classification (germline): Pathogenic (1 of 4 stars; one submission).

Conditions:
Hereditary breast ovarian cancer syndrome. Also called: BRCA1- and BRCA2-Associated Hereditary Breast and Ovarian Cancer; Hereditary breast and ovarian cancer; Hereditary breast and ovarian cancer syndrome; Hereditary breast and/or ovarian cancer syndrome; Hereditary breast and ovarian cancer syndrome (HBOC); Breast and ovarian cancer. Identifiers: Orphanet 145, MedGen C0677776, MeSH D061325, MONDO:0003582. Disease mechanism: loss of function.

Submission:

Labcorp Genetics (formerly Invitae), Labcorp
Classification: Pathogenic for Hereditary breast ovarian cancer syndrome. Last evaluated: 2025-07-31. Review status: criteria provided, single submitter. Criteria: Invitae Variant Classification Sherloc (09022015). Collection method: clinical testing. Allele origin: germline.
Comment: This sequence change creates a premature translational stop signal (p.His318Leufs*24) in the BRCA1 gene. It is expected to result in an absent or disrupted protein product. Loss-of-function variants in BRCA1 are known to be pathogenic (PMID: 20104584). This variant is not present in population databases (gnomAD no frequency). This premature translational stop signal has been observed in individual(s) with ovarian cancer (PMID: 30078507). For these reasons, this variant has been classified as Pathogenic.

Literature cited by the submitters: PubMed 20104584; PubMed 30078507.